The following is an entry in ClinVar:

ClinVar aggregate classification (germline): Uncertain significance (1 of 4 stars; one submission).

Conditions:
TTN-related disorder. Also called: TTN-related disorders; TTN-related condition; TTN-related disease.

gnomAD v4.1: 2 of 1,613,764 alleles (0.00012%); highest among the groups gnomAD compares: Non-Finnish European, 0.00017%; no homozygotes.

Submission:

PreventionGenetics, part of Exact Sciences
Classification: Uncertain significance for TTN-related condition. Last evaluated: 2026-02-19. Review status: criteria provided, single submitter. Criteria: ACMG Guidelines, 2015. Collection method: clinical testing. Allele origin: germline.
Comment: The TTN c.26104A>G variant is predicted to result in the amino acid substitution p.Ile8702Val. To our knowledge, this variant has not been reported in the literature. This variant is reported in 0.00089% of alleles in individuals of European (Non-Finnish) descent in gnomAD. At this time, the clinical significance of this variant is uncertain due to the absence of conclusive functional and genetic evidence.

NM_001267550.2(TTN):c.26104A>G (p.Ile8702Val)

Gene: TTN (titin; minus strand). Cytogenetic location: 2q31.2.
Variant type: single nucleotide variant.
Coding change: c.26104A>G on transcript NM_001267550.2 (MANE Select); coding-DNA position 26104, A replaced by G.
Protein change: p.Ile8702Val; replaces isoleucine 8702 with valine.
Molecular consequence: missense variant. On other transcripts: intron variant (3).
Genome position (GRCh38, 1-based): chr2:178,715,082, T>C on the plus strand (A>G on the coding strand, the complement: TTN is on the minus strand). VCF-style: chr2-178715082-T-C. GRCh37 (hg19) VCF-style: chr2-179579809-T-C.
Other names: c.25153A>G, p.Ile8385Val (NM_001256850.1); c.22372A>G, p.Ile7458Val (NM_133378.4); c.13282+23000A>G (NM_003319.4); c.13858+23000A>G (NM_133437.4); c.13657+23000A>G (NM_133432.3); short protein forms I8702V, I7458V, I8385V.
Identifiers: ClinVar variation 5000353 (VCV005000353.1).